The following is an entry in ClinVar:

NM_000146.4(FTL):c.-168G>A

Gene: FTL (ferritin light chain; plus strand). Cytogenetic location: 19q13.33.
Variant type: single nucleotide variant.
Coding change: c.-168G>A on transcript NM_000146.4 (MANE Select); 168 bases upstream of the start codon, G replaced by A.
Molecular consequence: 5 prime UTR variant.
Genome position (GRCh38, 1-based): chr19:48,965,340, G>A. VCF-style: chr19-48965340-G-A. GRCh37 (hg19) VCF-style: chr19-49468597-G-A.
Other names: -168G-A.
Identifiers: ClinVar variation 16476 (VCV000016476.15), dbSNP rs398124635, ClinGen allele CA126552.
Genomic context (GRCh38, chr19:48,965,340, plus strand): 5'-AAAAGAAGCCGCCCTAGCCACGTCCCCTCGCAGTTCGGCGGTCCCGCGGGTCTGTCTCTT[G>A]CTTCAACAGTGTTTGGACGGAACAGATCCGGGGACTCTCTTCCAGCCTCCGACCGCCCTC-3'

ClinVar aggregate classification (germline): Pathogenic/Likely pathogenic. Review status: criteria provided, multiple submitters, no conflicts (2 of 4 stars). 6 submissions from 6 submitters: Pathogenic (1); Likely pathogenic (1). 4 of the submissions do not count toward it. Last evaluated 2026-05-25.

Conditions:
FTL-related disorder. Also called: FTL-related condition.
Hereditary hyperferritinemia with congenital cataracts. Also called: Hereditary hyperferritinemia cataract syndrome; Bonneau-Beaumont syndrome; HYPERFERRITINEMIA WITH OR WITHOUT CATARACT. Identifiers: Orphanet 163, MedGen C1833213, MONDO:0010952, OMIM 600886.
Neuroferritinopathy (NBIA3). Also called: NEURODEGENERATION WITH BRAIN IRON ACCUMULATION 3; BASAL GANGLIA DISEASE, ADULT-ONSET. Identifiers: Orphanet 157846, MedGen C1853578, MONDO:0011638, OMIM 606159.

Allele frequency attached by ClinVar (database versions not stated): TOPMed below 0.00001; gnomAD 0.00001.
gnomAD v4.1: 1 of 670,270 alleles (0.00015%); highest among the groups gnomAD compares: Non-Finnish European, 0.00027%; no homozygotes.

Submissions (6):

GeneDx
Classification: Likely pathogenic. Last evaluated: 2026-05-25. Review status: criteria provided, single submitter. Criteria: GeneDx Variant Classification Process June 2021. Collection method: clinical testing. Allele origin: germline.
Comment: Located in a regulatory region; in the absence of functional studies, the actual effect of this sequence change is unknown; This variant is associated with the following publications: (PMID: 39987942, 23421845, 30678075, 26147798, 21907119, 31211687, 11703332, 20624502, 17951290, 20578964, 9226182, 16518306, 28746593, 38216115, 41769540)

Labcorp Genetics (formerly Invitae), Labcorp
Classification: Pathogenic for Neuroferritinopathy; Hereditary hyperferritinemia with congenital cataracts. Last evaluated: 2025-09-28. Review status: criteria provided, single submitter. Criteria: Invitae Variant Classification Sherloc (09022015). Collection method: clinical testing. Allele origin: germline.
Comment: This variant occurs in a non-coding region of the FTL gene. It does not change the encoded amino acid sequence of the FTL protein. This variant is not present in population databases (gnomAD no frequency). This variant has been observed in individuals with hyperferritinemia-cataract syndrome (PMID: 9226182, 16518306, 28746593). It has also been observed to segregate with disease in related individuals. ClinVar contains an entry for this variant (Variation ID: 16476). Experimental studies and prediction algorithms are not available or were not evaluated, and the functional significance of this variant is currently unknown. For these reasons, this variant has been classified as Pathogenic.

PreventionGenetics, part of Exact Sciences
Classification: Pathogenic for FTL-related condition. Last evaluated: 2024-07-24. Review status: no assertion criteria provided. Collection method: clinical testing. Allele origin: germline. Not counted in ClinVar's aggregate classification.
Comment: The FTL c.-168G>A variant is located in the 5' untranslated region. This variant, also known in the literature as Pavia 1, +32, and G32A, has been reported in multiple families with elevated serum ferritin and cataract (Family 1, Cazzola et al. 1997. PubMed ID: 9226182; Girelli et al. 2001. PubMed ID: 11703332; Case 1, Petroni et al. 2017. PubMed ID: 28746593; Vanita et al. 2006. PubMed ID: 16518306; Family 1, Volkmann et al. 2019. PubMed ID: 31211687). This variant occurs within a highly conserved non-coding region known as the iron regulatory element and other variants within this region, including additional variants at the +32 position (G32T and G32C) have also been found in patients with FTL-related disorders (Cazzola et al. 1997. PubMed ID: 9226182; Girelli et al. 2001. PubMed ID: 11703332; Volkmann et al. 2019. PubMed ID: 31211687). This variant has not been reported in gnomAD, indicating this variant is rare. Based on this evidence, we interpret this variant pathogenic.

OMIM
Classification: Pathogenic for HYPERFERRITINEMIA WITH OR WITHOUT CATARACT. Last evaluated: 2013-02-19. Review status: no assertion criteria provided. Collection method: literature only. Allele origin: germline. Not counted in ClinVar's aggregate classification.

Clinical Genetics DNA and cytogenetics Diagnostics Lab, Erasmus MC, Erasmus Medical Center
Classification: Pathogenic. Review status: no assertion criteria provided. Collection method: clinical testing. Allele origin: germline. Affected: yes. Study: VKGL Data-share Consensus. Not counted in ClinVar's aggregate classification.

Joint Genome Diagnostic Labs from Nijmegen and Maastricht, Radboudumc and MUMC+
Classification: Pathogenic. Review status: no assertion criteria provided. Collection method: clinical testing. Allele origin: germline. Affected: yes. Study: VKGL Data-share Consensus. Not counted in ClinVar's aggregate classification.

Literature cited by the submitters: PubMed 9226182 (cited by Labcorp Genetics (formerly Invitae), Labcorp and OMIM); PubMed 16518306 (cited by Labcorp Genetics (formerly Invitae), Labcorp); PubMed 28746593 (cited by Labcorp Genetics (formerly Invitae), Labcorp); PubMed 23421845 (cited by OMIM); PubMed 21907119 (cited by OMIM).